The following is an entry in ClinVar:

NM_001042492.3(NF1):c.3497G>T (p.Gly1166Val)

Gene: NF1 (neurofibromin 1; plus strand). Cytogenetic location: 17q11.2.
Variant type: single nucleotide variant.
Coding change: c.3497G>T on transcript NM_001042492.3 (MANE Select); coding-DNA position 3497, G replaced by T.
Protein change: p.Gly1166Val; replaces glycine 1166 with valine.
Molecular consequence: missense variant.
Genome position (GRCh38, 1-based): chr17:31,233,002, G>T. VCF-style: chr17-31233002-G-T. GRCh37 (hg19) VCF-style: chr17-29560020-G-T.
Other names: c.3497G>T, p.Gly1166Val (NM_000267.4); short protein forms G1166V.
Identifiers: ClinVar variation 2910419 (VCV002910419.3), dbSNP rs199474787, ClinGen allele CA398989613.

ClinVar aggregate classification (germline): Uncertain significance (1 of 4 stars; one submission).

Conditions:
Neurofibromatosis, type 1 (NF1). Also called: Neurofibromatosis, type I; NEUROFIBROMATOSIS, TYPE I, SOMATIC; Peripheral type neurofibromatosis; VON RECKLINGHAUSEN DISEASE. Identifiers: Orphanet 636, MedGen C0027831, MONDO:0018975, OMIM 162200. Disease mechanism: loss of function.

Submission:

Labcorp Genetics (formerly Invitae), Labcorp
Classification: Uncertain significance for Neurofibromatosis, type 1. Last evaluated: 2023-11-20. Review status: criteria provided, single submitter. Criteria: Invitae Variant Classification Sherloc (09022015). Collection method: clinical testing. Allele origin: germline.
Comment: This sequence change replaces glycine, which is neutral and non-polar, with valine, which is neutral and non-polar, at codon 1166 of the NF1 protein (p.Gly1166Val). This variant is not present in population databases (gnomAD no frequency). This missense change has been observed in individual(s) with neurofibromatosis type 1 (PMID: 28955729). An algorithm developed to predict the effect of missense changes on protein structure and function (PolyPhen-2) suggests that this variant is likely to be disruptive. This variant disrupts the p.Gly1166 amino acid residue in NF1. Other variant(s) that disrupt this residue have been determined to be pathogenic (PMID: 24789688; Invitae). This suggests that this residue is clinically significant, and that variants that disrupt this residue are likely to be disease-causing. In summary, the available evidence is currently insufficient to determine the role of this variant in disease. Therefore, it has been classified as a Variant of Uncertain Significance.

Literature cited by the submitters: PubMed 28955729; PubMed 24789688.